The following is an entry in ClinVar:

ClinVar aggregate classification (germline): Uncertain significance (1 of 4 stars; one submission).

Conditions:
Intellectual developmental disorder, X-linked, syndromic, Hedera type. Also called: Syndromic X-linked intellectual disability Hedera type. Identifiers: Orphanet 93952, MedGen C1845543, MONDO:0010319, OMIM 300423.

Allele frequency attached by ClinVar (database versions not stated): ESP Exome Variant Server 0.00009; gnomAD exomes 0.00001; TOPMed 0.00003; gnomAD 0.00002; 1000 Genomes Project 30x 0.00021.
gnomAD v4.1: 19 of 1,209,552 alleles (0.0016%); highest among the groups gnomAD compares: Non-Finnish European, 0.0021%; no homozygotes.

Submission:

Labcorp Genetics (formerly Invitae), Labcorp
Classification: Uncertain significance for Intellectual developmental disorder, X-linked, syndromic, Hedera type. Last evaluated: 2024-02-02. Review status: criteria provided, single submitter. Criteria: Invitae Variant Classification Sherloc (09022015). Collection method: clinical testing. Allele origin: germline.
Comment: This sequence change replaces leucine, which is neutral and non-polar, with valine, which is neutral and non-polar, at codon 88 of the ATP6AP2 protein (p.Leu88Val). This variant is present in population databases (rs375148460, gnomAD 0.001%). This variant has not been reported in the literature in individuals affected with ATP6AP2-related conditions. ClinVar contains an entry for this variant (Variation ID: 1499451). Advanced modeling of protein sequence and biophysical properties (such as structural, functional, and spatial information, amino acid conservation, physicochemical variation, residue mobility, and thermodynamic stability) performed at Invitae indicates that this missense variant is not expected to disrupt ATP6AP2 protein function with a negative predictive value of 80%. In summary, the available evidence is currently insufficient to determine the role of this variant in disease. Therefore, it has been classified as a Variant of Uncertain Significance.

NM_005765.3(ATP6AP2):c.262C>G (p.Leu88Val)

Gene: ATP6AP2 (ATPase H+ transporting accessory protein 2; plus strand). Cytogenetic location: Xp11.4.
Variant type: single nucleotide variant.
Coding change: c.262C>G on transcript NM_005765.3 (MANE Select); coding-DNA position 262, C replaced by G.
Protein change: p.Leu88Val; replaces leucine 88 with valine.
Molecular consequence: missense variant.
Genome position (GRCh38, 1-based): chrX:40,591,327, C>G. VCF-style: chrX-40591327-C-G. GRCh37 (hg19) VCF-style: chrX-40450579-C-G.
Other names: short protein forms L88V.
Identifiers: ClinVar variation 1499451 (VCV001499451.8), dbSNP rs375148460, ClinGen allele CA328985567.